The following is an entry in ClinVar:

ClinVar aggregate classification (germline): Uncertain significance. Review status: criteria provided, multiple submitters, no conflicts (2 of 4 stars). 2 submissions from 2 submitters: Uncertain significance (2). Last evaluated 2023-12-09.

Conditions:
Autosomal recessive limb-girdle muscular dystrophy type 2W (MDRCMTT). Also called: Muscular dystrophy, limb-girdle, type 2W; Muscular dystrophy, autosomal recessive, with cardiomyopathy and triangular tongue. Identifiers: MedGen C4225192, MONDO:0014788, OMIM 616827.

Allele frequency attached by ClinVar (database versions not stated): ExAC 0.00030.
gnomAD v4.1: 76 of 1,551,426 alleles (0.0049%); highest among the groups gnomAD compares: South Asian, 0.088%; no homozygotes.

Submissions (2):

Labcorp Genetics (formerly Invitae), Labcorp
Classification: Uncertain significance for Autosomal recessive limb-girdle muscular dystrophy type 2W. Last evaluated: 2023-12-09. Review status: criteria provided, single submitter. Criteria: Invitae Variant Classification Sherloc (09022015). Collection method: clinical testing. Allele origin: germline.
Comment: This sequence change creates a premature translational stop signal (p.Glu10*) in the LIMS2 gene. It is expected to result in an absent or disrupted protein product. However, the current clinical and genetic evidence is not sufficient to establish whether loss-of-function variants in LIMS2 cause disease. This variant is present in population databases (rs779917750, gnomAD 0.08%), and has an allele count higher than expected for a pathogenic variant. This variant has not been reported in the literature in individuals affected with LIMS2-related conditions. ClinVar contains an entry for this variant (Variation ID: 2433444). In summary, the available evidence is currently insufficient to determine the role of this variant in disease. Therefore, it has been classified as a Variant of Uncertain Significance.

Revvity Omics, Revvity
Classification: Uncertain significance for Autosomal recessive limb-girdle muscular dystrophy type 2W. Last evaluated: 2023-12-06. Review status: criteria provided, single submitter. Criteria: ACMG Guidelines, 2015. Collection method: clinical testing. Allele origin: germline.

NM_001161403.3(LIMS2):c.11+1287G>T

Gene: LIMS2 (LIM zinc finger domain containing 2; minus strand). Cytogenetic location: 2q14.3.
Variant type: single nucleotide variant.
Coding change: c.11+1287G>T on transcript NM_001161403.3 (MANE Select); 1287 bases into the intron after coding-DNA position 11, G replaced by T.
Molecular consequence: intron variant. On other transcripts: nonsense (1).
Genome position (GRCh38, 1-based): chr2:127,673,727, C>A on the plus strand (G>T on the coding strand, the complement: LIMS2 is on the minus strand). VCF-style: chr2-127673727-C-A. GRCh37 (hg19) VCF-style: chr2-128431301-C-A.
Other names: c.28G>T (NM_001136037.3); c.28G>T, p.Glu10Ter (NM_001136037.4); c.-5+7593G>T (NM_001161404.2); short protein forms E10*.
Identifiers: ClinVar variation 2433444 (VCV002433444.6), dbSNP rs779917750, ClinGen allele CA1863625.